The following is an entry in ClinVar:

NM_007294.4(BRCA1):c.2692A>G (p.Lys898Glu)

Gene: BRCA1 (BRCA1 DNA repair associated; minus strand). Cytogenetic location: 17q21.31.
Variant type: single nucleotide variant.
Coding change: c.2692A>G on transcript NM_007294.4 (MANE Select); coding-DNA position 2692, A replaced by G.
Protein change: p.Lys898Glu; replaces lysine 898 with glutamic acid.
Molecular consequence: missense variant. On other transcripts: intron variant (137).
Genome position (GRCh38, 1-based): chr17:43,092,839, T>C on the plus strand (A>G on the coding strand, the complement: BRCA1 is on the minus strand). VCF-style: chr17-43092839-T-C. GRCh37 (hg19) VCF-style: chr17-41244856-T-C.
Other names: c.2551A>G, p.Lys851Glu (NM_001407732.1, NM_001407733.1, NM_001407734.1 and 29 more transcripts); c.2548A>G, p.Lys850Glu (NM_001407740.1, NM_001407741.1, NM_001407742.1 and 20 more transcripts); c.2479A>G, p.Lys827Glu (NM_001407853.1, NM_001407894.1, NM_001407895.1 and 9 more transcripts); c.2692A>G, p.Lys898Glu (NM_001407854.1, NM_001407858.1, NM_001407859.1 and 30 more transcripts); c.2689A>G, p.Lys897Glu (NM_001407860.1, NM_001407861.1, NM_001407587.1 and 22 more transcripts); c.2491A>G, p.Lys831Glu (NM_001407862.1); c.2569A>G, p.Lys857Glu (NM_001407863.1, NM_001407919.1, NM_001407937.1 and 19 more transcripts); c.2488A>G, p.Lys830Glu (NM_001407874.1, NM_001407875.1); and 41 more; short protein forms K898E, K851E, K602E, K730E, K771E, K809E, K828E, K871E.
Identifiers: ClinVar variation 54649 (VCV000054649.15), dbSNP rs80357420, ClinGen allele CA001775.

ClinVar aggregate classification (germline): Conflicting classifications of pathogenicity. Review status: criteria provided, conflicting classifications (1 of 4 stars). 5 submissions from 5 submitters: Uncertain significance (3); Likely benign (1). 1 of the submissions does not count toward it. Last evaluated 2025-06-15.

Conditions:
Hereditary cancer-predisposing syndrome. Also called: Tumor predisposition; Neoplastic Syndromes, Hereditary; Hereditary Cancer Syndrome; Hereditary neoplastic syndrome. Identifiers: Orphanet 140162, MedGen C0027672, MeSH D009386, MONDO:0015356.
Hereditary breast ovarian cancer syndrome. Also called: Hereditary breast and ovarian cancer syndrome (HBOC); Hereditary breast and ovarian cancer syndrome; Hereditary breast and ovarian cancer; Hereditary breast and/or ovarian cancer syndrome; Breast and ovarian cancer; BRCA1- and BRCA2-Associated Hereditary Breast and Ovarian Cancer. Identifiers: Orphanet 145, MedGen C0677776, MeSH D061325, MONDO:0003582. Disease mechanism: loss of function.
Breast-ovarian cancer, familial, susceptibility to, 1 (BROVCA1). Also called: OVARIAN CANCER, SUSCEPTIBILITY TO; BRCA1 Hereditary Breast and Ovarian Cancer. Identifiers: Orphanet 145, MedGen C2676676, MONDO:0011450, OMIM 604370. Disease mechanism: loss of function.

Allele frequency attached by ClinVar (database versions not stated): gnomAD exomes below 0.00001; TOPMed below 0.00001.
gnomAD v4.1: 1 of 1,614,042 alleles (0.000062%); highest among the groups gnomAD compares: Non-Finnish European, 0.000085%; no homozygotes.

Submissions (5):

Labcorp Genetics (formerly Invitae), Labcorp
Classification: Uncertain significance for Hereditary breast ovarian cancer syndrome. Last evaluated: 2025-06-15. Review status: criteria provided, single submitter. Criteria: Invitae Variant Classification Sherloc (09022015). Collection method: clinical testing. Allele origin: germline.
Comment: This sequence change replaces lysine, which is basic and polar, with glutamic acid, which is acidic and polar, at codon 898 of the BRCA1 protein (p.Lys898Glu). This variant is not present in population databases (gnomAD no frequency). This missense change has been observed in individual(s) with breast and/or ovarian cancer (PMID: 23961350). ClinVar contains an entry for this variant (Variation ID: 54649). Invitae Evidence Modeling of protein sequence and biophysical properties (such as structural, functional, and spatial information, amino acid conservation, physicochemical variation, residue mobility, and thermodynamic stability) indicates that this missense variant is not expected to disrupt BRCA1 protein function with a negative predictive value of 80%. Experimental studies are conflicting or provide insufficient evidence to determine the effect of this variant on BRCA1 function (PMID: 25056273, 32546644). In summary, the available evidence is currently insufficient to determine the role of this variant in disease. Therefore, it has been classified as a Variant of Uncertain Significance.

University of Washington Department of Laboratory Medicine, University of Washington
Classification: Likely benign for Hereditary cancer-predisposing syndrome. Last evaluated: 2023-03-23. Review status: criteria provided, single submitter. Criteria: Dines et al. (Genet Med. 2020). Collection method: curation. Allele origin: germline.
Comment: Missense variant in a coldspot region where missense variants are very unlikely to be pathogenic (PMID:31911673).

BRCA1 coldspot (exon 11 using historical exon numbering). Reclassification based on statistical prior probability

Color Diagnostics, LLC DBA Color Health
Classification: Uncertain significance for Hereditary cancer-predisposing syndrome. Last evaluated: 2022-08-15. Review status: criteria provided, single submitter. Criteria: ACMG Guidelines, 2015. Collection method: clinical testing. Allele origin: germline.
Comment: This missense variant replaces lysine with glutamic acid at codon 898 of the BRCA1 protein. Computational prediction suggests that this variant may not impact protein structure and function (internally defined REVEL score threshold <= 0.5, PMID: 27666373). This variant has been reported in an individual affected with breast or ovarian cancer who has an unspecified deleterious BRCA2 variant (PMID: 23961350) and in a breast cancer case-control meta-analysis in 0/60466 cases and 1/53461 unaffected individuals (PMID: 33471991; Leiden Open Variation Database DB-ID BRCA1_000636). A multifactorial analysis also has reported likelihood ratios for pathogenicity based on co-occurrence and family history of 1.0331 and 0.1078, respectively (PMID: 31131967). This variant has not been identified in the general population by the Genome Aggregation Database (gnomAD). The available evidence is insufficient to determine the role of this variant in disease conclusively. Therefore, this variant is classified as a Variant of Uncertain Significance.

Ambry Genetics
Classification: Uncertain significance for Hereditary cancer-predisposing syndrome. Last evaluated: 2020-01-21. Review status: criteria provided, single submitter. Criteria: Ambry Variant Classification Scheme 2023. Collection method: clinical testing. Allele origin: germline.
Comment: The p.K898E variant (also known as c.2692A>G), located in coding exon 9 of the BRCA1 gene, results from an A to G substitution at nucleotide position 2692. The lysine at codon 898 is replaced by glutamic acid, an amino acid with similar properties. However, this patient was also found to carry an alteration in the BRCA2 gene that was considered deleterious (Solano AR et al. Springerplus, 2012 Sep;1:20). A functional study suggests this alteration may interfere with the interaction between BRCA1 and the PP1-binding motif which may impair DNA damage repair mechanisms (Chen BY et al. Sci Rep, 2014 Jul;4:5812). This amino acid position is not well conserved in available vertebrate species. In addition, this alteration is predicted to be tolerated by in silico analysis. Since supporting evidence is limited at this time, the clinical significance of this alteration remains unclear.

Breast Cancer Information Core (BIC) (BRCA1)
Classification: Uncertain significance for Breast-ovarian cancer, familial 1. Last evaluated: 2003-12-23. Review status: no assertion criteria provided. Collection method: clinical testing. Allele origin: germline. Affected: yes. Observed: 1 variant allele. Not counted in ClinVar's aggregate classification.

Literature cited by the submitters: PubMed 23961350 (cited by 3 submitters); PubMed 25056273 (cited by Labcorp Genetics (formerly Invitae), Labcorp and Ambry Genetics); PubMed 32546644 (cited by Labcorp Genetics (formerly Invitae), Labcorp); PubMed 31131967 (cited by Color Diagnostics, LLC DBA Color Health); PubMed 33471991 (cited by Color Diagnostics, LLC DBA Color Health).